The following is an entry in ClinVar:

NM_020774.4(MIB1):c.1176C>A (p.Tyr392Ter)

Gene: MIB1 (MIB E3 ubiquitin protein ligase 1; plus strand). Cytogenetic location: 18q11.2.
Variant type: single nucleotide variant.
Coding change: c.1176C>A on transcript NM_020774.4 (MANE Select); coding-DNA position 1176, C replaced by A.
Protein change: p.Tyr392Ter; replaces tyrosine 392 with a stop codon.
Molecular consequence: nonsense.
Genome position (GRCh38, 1-based): chr18:21,798,167, C>A. VCF-style: chr18-21798167-C-A. GRCh37 (hg19) VCF-style: chr18-19378128-C-A.
Other names: c.1176C>A (NM_020774.3); short protein forms Y392*.
Identifiers: ClinVar variation 1678162 (VCV001678162.2), dbSNP rs748226232, ClinGen allele CA8908228.

ClinVar aggregate classification (germline): Likely pathogenic. Review status: criteria provided, single submitter (1 of 4 stars). 2 submissions from 2 submitters: Likely pathogenic (1). 1 of the submissions does not count toward it. Last evaluated 2022-02-10.

Conditions:
MIB1-related disorder. Also called: MIB1-related condition.

Allele frequency attached by ClinVar (database versions not stated): ExAC 0.00002; gnomAD exomes 0.00002.
gnomAD v4.1: 15 of 1,613,172 alleles (0.00093%); highest among the groups gnomAD compares: East Asian, 0.0022%; no homozygotes.

Submissions (2):

AiLife Diagnostics
Classification: Likely pathogenic. Last evaluated: 2022-02-10. Review status: criteria provided, single submitter. Criteria: ACMG Guidelines, 2015. Collection method: clinical testing. Allele origin: germline. Affected: yes. Observed: 1 variant allele.

PreventionGenetics, part of Exact Sciences
Classification: Uncertain significance for MIB1-related condition. Last evaluated: 2024-05-14. Review status: no assertion criteria provided. Collection method: clinical testing. Allele origin: germline. Not counted in ClinVar's aggregate classification.
Comment: The MIB1 c.1176C>A variant is predicted to result in premature protein termination (p.Tyr392*). To our knowledge, this variant has not been reported in the literature. This variant is reported in 0.011% of alleles in individuals of East Asian descent in gnomAD. Loss of function is not a conclusively established mechanism for MIB1-related disease (Human Gene Mutation Database). At this time, the clinical significance of this variant is uncertain due to the absence of conclusive functional and genetic evidence.